The following is an entry in ClinVar:

ClinVar aggregate classification (germline): Uncertain significance. Review status: criteria provided, multiple submitters, no conflicts (2 of 4 stars). 2 submissions from 2 submitters: Uncertain significance (2). Last evaluated 2025-04-13.

Conditions:
Inborn genetic diseases. Identifiers: MedGen C0950123, MeSH D030342.

Submissions (2):

Ambry Genetics
Classification: Uncertain significance for Inborn genetic diseases. Last evaluated: 2025-04-13. Review status: criteria provided, single submitter. Criteria: Ambry Variant Classification Scheme 2023. Collection method: clinical testing. Allele origin: germline.

Labcorp Genetics (formerly Invitae), Labcorp
Classification: Uncertain significance. Last evaluated: 2024-09-27. Review status: criteria provided, single submitter. Criteria: Invitae Variant Classification Sherloc (09022015). Collection method: clinical testing. Allele origin: germline.
Comment: This sequence change replaces threonine, which is neutral and polar, with methionine, which is neutral and non-polar, at codon 367 of the FAM111A protein (p.Thr367Met). This variant is present in population databases (rs148979753, gnomAD 0.02%). This variant has not been reported in the literature in individuals affected with FAM111A-related conditions. Invitae Evidence Modeling of protein sequence and biophysical properties (such as structural, functional, and spatial information, amino acid conservation, physicochemical variation, residue mobility, and thermodynamic stability) indicates that this missense variant is not expected to disrupt FAM111A protein function with a negative predictive value of 80%. In summary, the available evidence is currently insufficient to determine the role of this variant in disease. Therefore, it has been classified as a Variant of Uncertain Significance.

NM_001312909.2(FAM111A):c.1100C>T (p.Thr367Met)

Gene: FAM111A (FAM111 trypsin like peptidase A; plus strand). Cytogenetic location: 11q12.1.
Variant type: single nucleotide variant.
Coding change: c.1100C>T on transcript NM_001312909.2 (MANE Select); coding-DNA position 1100, C replaced by T.
Protein change: p.Thr367Met; replaces threonine 367 with methionine.
Molecular consequence: missense variant.
Genome position (GRCh38, 1-based): chr11:59,152,768, C>T. VCF-style: chr11-59152768-C-T. GRCh37 (hg19) VCF-style: chr11-58920241-C-T.
Other names: c.1100C>T (NM_001142520.1); c.1100C>T, p.Thr367Met (NM_001374855.1, NM_001374856.1, NM_001374857.1 and 29 more transcripts); short protein forms T367M.
Identifiers: ClinVar variation 3681982 (VCV003681982.3).
Genomic context (GRCh38, chr11:59,152,768, plus strand): 5'-TGAAACTTCTTGTACGTCTCAGTGACTCAGTTGGGTACTTATTCTGGGACAGTGCAACTA[C>T]GGGTTACGCCACCTGCTTTGTTTTTAAAGGATTGTTCATTTTAACTTGTCGGCATGTAAT-3'
Protein context (NP_001299838.1, residues 357-377): VGYLFWDSAT[Thr367Met]GYATCFVFKG